The following is an entry in ClinVar:

ClinVar aggregate classification (germline): Likely benign. Review status: criteria provided, multiple submitters, no conflicts (2 of 4 stars). 6 submissions from 6 submitters: Likely benign (5). 1 of the submissions does not count toward it. Last evaluated 2025-09-06.

Conditions:
Inborn genetic diseases. Identifiers: MedGen C0950123, MeSH D030342.
Early-infantile DEE. Also called: Ohtahara syndrome; Early infantile epileptic encephalopathy; Early infantile epileptic encephalopathy with suppression bursts. Identifiers: Orphanet 1934, MedGen C0393706, MONDO:0800491.
KCNQ2-Related Disorders. Also called: KCNQ2-related condition; KCNQ2-related disorder. Identifiers: MedGen CN169299.

Allele frequency attached by ClinVar (database versions not stated): ExAC 0.00037; 1000 Genomes Project 0.00040; gnomAD exomes 0.00011; TOPMed 0.00028; 1000 Genomes Project 30x 0.00031; gnomAD 0.00035.
gnomAD v4.1: 214 of 1,610,856 alleles (0.013%); highest among the groups gnomAD compares: East Asian, 0.41%; no homozygotes.

Submissions (6):

Labcorp Genetics (formerly Invitae), Labcorp
Classification: Likely benign for Early-infantile DEE. Last evaluated: 2025-09-06. Review status: criteria provided, single submitter. Criteria: Invitae Variant Classification Sherloc (09022015). Collection method: clinical testing. Allele origin: germline.

CeGaT Center for Human Genetics Tuebingen
Classification: Likely benign. Last evaluated: 2025-06-01. Review status: criteria provided, single submitter. Criteria: CeGaT Center For Human Genetics Tuebingen Variant Classification Criteria Version 2. Collection method: clinical testing. Allele origin: germline. Affected: yes. Observed: 3 variant alleles.
Comment: KCNQ2: BS1

Blueprint Genetics
Classification: Likely benign. Last evaluated: 2024-11-20. Review status: criteria provided, single submitter. Criteria: ACMG Guidelines, 2015. Collection method: clinical testing. Allele origin: germline.

GeneDx
Classification: Likely benign. Last evaluated: 2018-03-16. Review status: criteria provided, single submitter. Criteria: GeneDx Variant Classification (06012015). Collection method: clinical testing. Allele origin: germline. Affected: yes.
Comment: This variant is considered likely benign or benign based on one or more of the following criteria: it is a conservative change, it occurs at a poorly conserved position in the protein, it is predicted to be benign by multiple in silico algorithms, and/or has population frequency not consistent with disease.

Ambry Genetics
Classification: Likely benign for Inborn genetic diseases. Last evaluated: 2017-12-14. Review status: criteria provided, single submitter. Criteria: Ambry Variant Classification Scheme 2023. Collection method: clinical testing. Allele origin: germline.

PreventionGenetics, part of Exact Sciences
Classification: Benign for KCNQ2-related condition. Last evaluated: 2019-08-30. Review status: no assertion criteria provided. Collection method: clinical testing. Allele origin: germline. Not counted in ClinVar's aggregate classification.
Comment: This variant is classified as benign based on ACMG/AMP sequence variant interpretation guidelines (Richards et al. 2015 PMID: 25741868, with internal and published modifications).

NM_172107.4(KCNQ2):c.1253G>T (p.Gly418Val)

Gene: KCNQ2 (potassium voltage-gated channel subfamily Q member 2; minus strand). Cytogenetic location: 20q13.33.
Variant type: single nucleotide variant.
Coding change: c.1253G>T on transcript NM_172107.4 (MANE Select); coding-DNA position 1253, G replaced by T.
Protein change: p.Gly418Val; replaces glycine 418 with valine.
Molecular consequence: missense variant. On other transcripts: intron variant (3).
Genome position (GRCh38, 1-based): chr20:63,419,667, C>A on the plus strand (G>T on the coding strand, the complement: KCNQ2 is on the minus strand). VCF-style: chr20-63419667-C-A. GRCh37 (hg19) VCF-style: chr20-62051020-C-A.
Other names: p.G418V:GGC>GTC; c.1217+4510G>T (NM_004518.6); c.1247+4510G>T (NM_172108.5, NM_172106.3); c.1253G>T (NM_172107.3); short protein forms G418V.
Identifiers: ClinVar variation 205902 (VCV000205902.48), dbSNP rs201750561, ClinGen allele CA315438.